The following is an entry in ClinVar:

ClinVar aggregate classification (germline): Uncertain significance (1 of 4 stars; one submission).

Submission:

Ambry Genetics
Classification: Uncertain significance. Last evaluated: 2026-03-08. Review status: criteria provided, single submitter. Criteria: Ambry Variant Classification Scheme 2023. Collection method: clinical testing. Allele origin: germline.
Comment: The p.V456G variant (also known as c.1367T>G), located in coding exon 11 of the RECQL gene, results from a T to G substitution at nucleotide position 1367. The valine at codon 456 is replaced by glycine, an amino acid with dissimilar properties. This amino acid position is conserved. In addition, this alteration is predicted to be tolerated by in silico analysis. Based on the available evidence, the clinical significance of this variant remains unclear.

NM_002907.4(RECQL):c.1367T>G (p.Val456Gly)

Gene: RECQL (RecQ like helicase; minus strand). Cytogenetic location: 12p12.1.
Variant type: single nucleotide variant.
Coding change: c.1367T>G on transcript NM_002907.4 (MANE Select); coding-DNA position 1367, T replaced by G.
Protein change: p.Val456Gly; replaces valine 456 with glycine.
Molecular consequence: missense variant.
Genome position (GRCh38, 1-based): chr12:21,473,631, A>C on the plus strand (T>G on the coding strand, the complement: RECQL is on the minus strand). VCF-style: chr12-21473631-A-C. GRCh37 (hg19) VCF-style: chr12-21626565-A-C.
Other names: c.1367T>G, p.Val456Gly (NM_032941.3); short protein forms V456G.
Identifiers: ClinVar variation 4826748 (VCV004826748.1).